The following is an entry in ClinVar:

ClinVar aggregate classification (germline): Likely pathogenic (1 of 4 stars; one submission).

Conditions:
Leber congenital amaurosis 5 (LCA5). Also called: Amaurosis congenita of Leber, type 5. Identifiers: Orphanet 65, MedGen C1858301, MONDO:0011473, OMIM 604537.

Submission:

Natera, Inc.
Classification: Likely pathogenic for Leber congenital amaurosis type 5. Last evaluated: 2024-11-09. Review status: criteria provided, single submitter. Criteria: Natera Variant Classification Schema (03/2026). Collection method: clinical testing. Allele origin: germline.
Comment: The c.1165_1166del variant in LCA5 is a frameshift variant predicted to shift the reading frame beginning at codon 389 and leads to a stop codon 7 codons downstream. This variant is expected to result in nonsense mediated decay, truncation, or a dysfunctional protein product. This variant is rare in the general population with a frequency below the threshold expected for the associated phenotype(s). Given the available evidence, this variant is classified as Likely Pathogenic.

NM_001122769.3(LCA5):c.1165_1166del (p.Glu389fs)

Gene: LCA5 (lebercilin LCA5; minus strand). Cytogenetic location: 6q14.1.
Variant type: Microsatellite.
Coding change: c.1165_1166del on transcript NM_001122769.3 (MANE Select); coding-DNA positions 1165 to 1166, 2 bases deleted (GA; older notation c.1165_1166delGA).
Protein change: p.Glu389fs; shifts the reading frame from glutamic acid 389.
Molecular consequence: frameshift variant.
Genome position (GRCh38, 1-based): chr6:79,489,149-79,489,150, TC deleted on the plus strand (GA on the coding strand, the reverse complement: LCA5 is on the minus strand); deleting any 2 consecutive bases within chr6:79,489,149-79,489,153 gives the same sequence; the c. name uses the placement nearest the transcript's 3' end. VCF-style (leftmost placement, unchanged base first): chr6-79489148-TTC-T. GRCh37 (hg19) VCF-style: chr6-80198865-TTC-T.
Other names: c.1165_1166del, p.Glu389fs (NM_181714.4); short protein forms E389fs.
Identifiers: ClinVar variation 4816981 (VCV004816981.1).